The following is an entry in ClinVar:

ClinVar aggregate classification (germline): Uncertain significance (1 of 4 stars; one submission).

Allele frequency attached by ClinVar (database versions not stated): gnomAD exomes below 0.00001; ExAC 0.00001.
gnomAD v4.1: 1 of 1,613,854 alleles (0.000062%); highest among the groups gnomAD compares: Admixed American, 0.0017%; no homozygotes.

Submission:

Labcorp Genetics (formerly Invitae), Labcorp
Classification: Uncertain significance. Last evaluated: 2022-07-26. Review status: criteria provided, single submitter. Criteria: Invitae Variant Classification Sherloc (09022015). Collection method: clinical testing. Allele origin: germline.
Comment: In summary, the available evidence is currently insufficient to determine the role of this variant in disease. Therefore, it has been classified as a Variant of Uncertain Significance. Advanced modeling of protein sequence and biophysical properties (such as structural, functional, and spatial information, amino acid conservation, physicochemical variation, residue mobility, and thermodynamic stability) performed at Invitae indicates that this missense variant is not expected to disrupt COQ8A protein function. This variant has not been reported in the literature in individuals affected with COQ8A-related conditions. This variant is present in population databases (rs753768036, gnomAD 0.003%). This sequence change replaces glutamic acid, which is acidic and polar, with lysine, which is basic and polar, at codon 535 of the COQ8A protein (p.Glu535Lys).

NM_020247.5(COQ8A):c.1603G>A (p.Glu535Lys)

Gene: COQ8A (coenzyme Q8A; plus strand). Cytogenetic location: 1q42.13.
Variant type: single nucleotide variant.
Coding change: c.1603G>A on transcript NM_020247.5 (MANE Select); coding-DNA position 1603, G replaced by A.
Protein change: p.Glu535Lys; replaces glutamic acid 535 with lysine.
Molecular consequence: missense variant.
Genome position (GRCh38, 1-based): chr1:226,985,284, G>A. VCF-style: chr1-226985284-G-A. GRCh37 (hg19) VCF-style: chr1-227172985-G-A.
Other names: short protein forms E535K.
Identifiers: ClinVar variation 2017064 (VCV002017064.4), dbSNP rs753768036, ClinGen allele CA1425583.
Genomic context (GRCh38, chr1:226,985,284, plus strand): 5'-CCCACGGTCCCCTCCTGTGCCTCTCCCCAGATCATCAGGGCTGCTGCCGACAGGGACAGG[G>A]AGACTGTGCGGGCGAAATCCATAGAGATGAAGTTCCTCACCGGCTACGAGGTCAAGGTGA-3'
Protein context (NP_064632.2, residues 525-545): IIRAAADRDR[Glu535Lys]TVRAKSIEMK